The following is an entry in ClinVar:

NM_032043.3(BRIP1):c.1111del (p.Tyr371fs)

Gene: BRIP1 (BRCA1 interacting DNA helicase 1; minus strand). Cytogenetic location: 17q23.2.
Variant type: Deletion.
Coding change: c.1111del on transcript NM_032043.3 (MANE Select); coding-DNA position 1111, one base deleted (T; older notation c.1111delT).
Protein change: p.Tyr371fs; shifts the reading frame from tyrosine 371.
Molecular consequence: frameshift variant.
Genome position (GRCh38, 1-based): chr17:61,801,282, A deleted on the plus strand (T on the coding strand, the reverse complement: BRIP1 is on the minus strand). VCF-style (leftmost placement, unchanged base first): chr17-61801281-TA-T. GRCh37 (hg19) VCF-style: chr17-59878642-TA-T.
Other names: short protein forms Y371fs.
Identifiers: ClinVar variation 2583726 (VCV002583726.2), dbSNP rs2545151603, ClinGen allele CA2582342220.
Genomic context (GRCh38, chr17:61,801,281, plus strand): 5'-AAGAAGGTTCTCATTTTTACACATATACTCACACTTTCCCTTATTTGTGCATCTAGAAGA[TA>T]GTTGTAGGGACAAAATATGATGTCAGCATCTTGTATTAGTTCTCGGGCTGTGTAATATGG-3'

ClinVar aggregate classification (germline): Pathogenic (1 of 4 stars; one submission).

Conditions:
Familial cancer of breast. Also called: Hereditary breast cancer; BREAST CANCER, FAMILIAL; hereditary breast carcinoma. Identifiers: Orphanet 227535, MedGen C0346153, MONDO:0016419, OMIM 114480. Disease mechanism: loss of function.

Submission:

Myriad Genetics, Inc.
Classification: Pathogenic for Familial cancer of breast. Last evaluated: 2023-06-01. Review status: criteria provided, single submitter. Criteria: Myriad Autosomal Dominant, Autosomal Recessive and X-Linked Classification Criteria (2023). Collection method: clinical testing. Allele origin: unknown.
Comment: This variant is considered pathogenic. This variant creates a frameshift predicted to result in premature protein truncation.